The following is an entry in ClinVar:

ClinVar aggregate classification (germline): Uncertain significance (1 of 4 stars; one submission).

Conditions:
MEGF8-related Carpenter syndrome. Also called: Carpenter syndrome 2. Identifiers: Orphanet 65759, MedGen C3554247, MONDO:0013998, OMIM 614976.

Submission:

Labcorp Genetics (formerly Invitae), Labcorp
Classification: Uncertain significance for MEGF8-related Carpenter syndrome. Last evaluated: 2018-02-26. Review status: criteria provided, single submitter. Criteria: Invitae Variant Classification Sherloc (09022015). Collection method: clinical testing. Allele origin: germline.
Comment: In summary, the available evidence is currently insufficient to determine the role of this variant in disease. Therefore, it has been classified as a Variant of Uncertain Significance. Algorithms developed to predict the effect of missense changes on protein structure and function (SIFT, PolyPhen-2, Align-GVGD) all suggest that this variant is likely to be tolerated, but these predictions have not been confirmed by published functional studies and their clinical significance is uncertain. This variant has not been reported in the literature in individuals with MEGF8-related disease. This variant is not present in population databases (ExAC no frequency). This sequence change replaces threonine with alanine at codon 657 of the MEGF8 protein (p.Thr657Ala). The threonine residue is moderately conserved and there is a small physicochemical difference between threonine and alanine.

NM_001271938.2(MEGF8):c.1969A>G (p.Thr657Ala)

Gene: MEGF8 (multiple EGF like domains 8; plus strand). Cytogenetic location: 19q13.2.
Variant type: single nucleotide variant.
Coding change: c.1969A>G on transcript NM_001271938.2 (MANE Select); coding-DNA position 1969, A replaced by G.
Protein change: p.Thr657Ala; replaces threonine 657 with alanine.
Molecular consequence: missense variant.
Genome position (GRCh38, 1-based): chr19:42,344,705, A>G. VCF-style: chr19-42344705-A-G. GRCh37 (hg19) VCF-style: chr19-42848857-A-G.
Other names: c.1969A>G, p.Thr657Ala (NM_001410.3); short protein forms T657A.
Identifiers: ClinVar variation 1044525 (VCV001044525.8), dbSNP rs2039264644, ClinGen allele CA406093143.
Genomic context (GRCh38, chr19:42,344,705, plus strand): 5'-CGGCCCCCACCCCCTGTCTTCTCAGAGCAGGCCCGCTGCCGAGGGGAGCAGATCTCAGGC[A>G]CTGTGGGCTGGTGGGGGCCTGCGCCTGTCTTCGTCACGTCCCTGGAGGCCTGCGTCACCC-3'
Protein context (NP_001258867.1, residues 647-667): ARCRGEQISG[Thr657Ala]VGWWGPAPVF